The following is an entry in ClinVar:

ClinVar aggregate classification (germline): Conflicting classifications of pathogenicity. Review status: criteria provided, conflicting classifications (1 of 4 stars). 7 submissions from 7 submitters: Uncertain significance (3); Likely benign (4). Last evaluated 2026-01-12.

Conditions:
Dilated cardiomyopathy 1G (CMD1G). Identifiers: Orphanet 154, MedGen C1858763, MONDO:0011400, OMIM 604145.
Myopathy, myofibrillar, 9, with early respiratory failure (MFM9). Also called: Hereditary myopathy with early respiratory failure; MYOPATHY, PROXIMAL, WITH EARLY RESPIRATORY MUSCLE INVOLVEMENT; Myopathy, distal, with early respiratory failure, autosomal dominant; EDSTROM MYOPATHY. Identifiers: Orphanet 178464, Orphanet 34521, MedGen C1863599, MONDO:0011362, OMIM 603689.
Early-onset myopathy with fatal cardiomyopathy (CMYO5). Also called: CONGENITAL MYOPATHY 5 WITH CARDIOMYOPATHY; Salih Myopathy. Identifiers: Orphanet 289377, MedGen C2673677, MONDO:0012714, OMIM 611705. Disease mechanism: loss of function.
Autosomal recessive limb-girdle muscular dystrophy type 2J (LGMDR10). Also called: Limb-girdle muscular dystrophy, type 2J; MUSCULAR DYSTROPHY, LIMB-GIRDLE, AUTOSOMAL RECESSIVE 10. Identifiers: Orphanet 140922, MedGen C1837342, MONDO:0012127, OMIM 608807.
Tibial muscular dystrophy (TMD). Also called: UDD MYOPATHY; Udd Distal Myopathy – Tibial Muscular Dystrophy; Tibial muscular dystrophy, tardive. Identifiers: Orphanet 609, MedGen C1838244, MONDO:0010870, OMIM 600334.
Hypertrophic cardiomyopathy 9. Also called: Familial hypertrophic cardiomyopathy 9. Identifiers: MedGen C1861065, MONDO:0013412, OMIM 613765.
Cardiovascular phenotype. Identifiers: MedGen CN230736.

Allele frequency attached by ClinVar (database versions not stated): TOPMed 0.00005; gnomAD exomes 0.00006 and 0.00013; ExAC 0.00008; ESP Exome Variant Server 0.00008; gnomAD 0.00008; 1000 Genomes Project 30x 0.00016; 1000 Genomes Project 0.00020.
gnomAD v4.1: 100 of 1,613,032 alleles (0.0062%); highest among the groups gnomAD compares: East Asian, 0.016%; no homozygotes.

Submissions (7):

Labcorp Genetics (formerly Invitae), Labcorp
Classification: Likely benign for Dilated cardiomyopathy 1G; Autosomal recessive limb-girdle muscular dystrophy type 2J. Last evaluated: 2026-01-12. Review status: criteria provided, single submitter. Criteria: Invitae Variant Classification Sherloc (09022015). Collection method: clinical testing. Allele origin: germline.

Women's Health and Genetics/Laboratory Corporation of America, LabCorp
Classification: Likely benign. Last evaluated: 2025-06-17. Review status: criteria provided, single submitter. Criteria: LabCorp Variant Classification Summary - May 2015. Collection method: clinical testing. Allele origin: germline.
Comment: Variant summary: TTN c.2767G>A (p.Glu923Lys) results in a conservative amino acid change located in the near Z disk domain of the encoded protein sequence. Algorithms developed to predict the effect of missense changes on protein structure and function are either unavailable or do not agree on the potential impact of this missense change. The variant allele was found at a frequency of 6.2e-05 in 1606866 control chromosomes, predominantly at a frequency of 0.002 within the Ashkenazi Jewish subpopulation in the gnomAD database (v4.1 dataset). The observed variant frequency within Ashkenazi Jewish control individuals in the gnomAD database is approximately 3.2-fold of the estimated maximal expected allele frequency for a pathogenic variant in TTN causing Cardiomyopathy phenotype (0.00063). To our knowledge, no occurrence of c.2767G>A in individuals affected with Cardiomyopathy and no experimental evidence demonstrating its impact on protein function have been reported. ClinVar contains an entry for this variant (Variation ID: 535112). Based on the evidence outlined above, the variant was classified as likely benign.

Revvity Omics, Revvity
Classification: Uncertain significance. Last evaluated: 2024-04-02. Review status: criteria provided, single submitter. Criteria: ACMG Guidelines, 2015. Collection method: clinical testing. Allele origin: germline.

Blueprint Genetics
Classification: Likely benign. Last evaluated: 2024-03-06. Review status: criteria provided, single submitter. Criteria: ACMG Guidelines, 2015. Collection method: clinical testing. Allele origin: germline.

Department of Pathology and Laboratory Medicine, Sinai Health System
Classification: Uncertain significance for Tibial muscular dystrophy; Myopathy, myofibrillar, 9, with early respiratory failure; Dilated cardiomyopathy 1G; Autosomal recessive limb-girdle muscular dystrophy type 2J; Early-onset myopathy with fatal cardiomyopathy; Hypertrophic cardiomyopathy 9. Last evaluated: 2022-08-22. Review status: criteria provided, single submitter. Criteria: ACMG Guidelines, 2015. Collection method: research. Allele origin: germline.

GeneDx
Classification: Likely benign. Last evaluated: 2019-05-08. Review status: criteria provided, single submitter. Criteria: GeneDx Variant Classification Process June 2021. Collection method: clinical testing. Allele origin: germline. Affected: yes.

Ambry Genetics
Classification: Uncertain significance for Cardiovascular phenotype. Last evaluated: 2018-08-13. Review status: criteria provided, single submitter. Criteria: Ambry Variant Classification Scheme 2023. Collection method: clinical testing. Allele origin: germline.
Comment: The p.E877K variant (also known as c.2629G>A), located in coding exon 14 of the TTN gene, results from a G to A substitution at nucleotide position 2629. The glutamic acid at codon 877 is replaced by lysine, an amino acid with similar properties. This amino acid position is highly conserved in available vertebrate species. In addition, the in silico prediction for this alteration is inconclusive. Since supporting evidence is limited at this time, the clinical significance of this alteration remains unclear.

NM_001267550.2(TTN):c.2767G>A (p.Glu923Lys)

Gene: TTN (titin; minus strand). Cytogenetic location: 2q31.2.
Variant type: single nucleotide variant.
Coding change: c.2767G>A on transcript NM_001267550.2 (MANE Select); coding-DNA position 2767, G replaced by A.
Protein change: p.Glu923Lys; replaces glutamic acid 923 with lysine.
Molecular consequence: missense variant.
Genome position (GRCh38, 1-based): chr2:178,784,078, C>T on the plus strand (G>A on the coding strand, the complement: TTN is on the minus strand). VCF-style: chr2-178784078-C-T. GRCh37 (hg19) VCF-style: chr2-179648805-C-T.
Other names: c.2767G>A, p.Glu923Lys (NM_133378.4, NM_001256850.1, NM_133379.5); c.2629G>A, p.Glu877Lys (NM_003319.4, NM_133432.3, NM_133437.4); short protein forms E923K, E877K.
Identifiers: ClinVar variation 535112 (VCV000535112.23), dbSNP rs369195237, ClinGen allele CA2005742.